The following is an entry in ClinVar:

ClinVar aggregate classification (germline): Conflicting classifications of pathogenicity. Review status: criteria provided, conflicting classifications (1 of 4 stars). 2 submissions from 2 submitters: Uncertain significance (1); Likely benign (1). Last evaluated 2024-09-04.

Conditions:
Myasthenic syndrome, congenital, 22 (CMS22). Also called: PREPL DEFICIENCY. Identifiers: MedGen C4479088, MONDO:0044299, OMIM 616224.
Inborn genetic diseases. Identifiers: MedGen C0950123, MeSH D030342.

Allele frequency attached by ClinVar (database versions not stated): ExAC 0.00002; gnomAD exomes 0.00002; gnomAD 0.00004; TOPMed 0.00005; ESP Exome Variant Server 0.00008; 1000 Genomes Project 0.00020; 1000 Genomes Project 30x 0.00031.
gnomAD v4.1: 38 of 1,613,672 alleles (0.0024%); highest among the groups gnomAD compares: African/African-American, 0.016%; no homozygotes.

Submissions (2):

Ambry Genetics
Classification: Likely benign for Inborn genetic diseases. Last evaluated: 2024-09-04. Review status: criteria provided, single submitter. Criteria: Ambry Variant Classification Scheme 2023. Collection method: clinical testing. Allele origin: germline.

Labcorp Genetics (formerly Invitae), Labcorp
Classification: Uncertain significance for Myasthenic syndrome, congenital, 22. Last evaluated: 2022-08-23. Review status: criteria provided, single submitter. Criteria: Invitae Variant Classification Sherloc (09022015). Collection method: clinical testing. Allele origin: germline.
Comment: This sequence change replaces isoleucine, which is neutral and non-polar, with valine, which is neutral and non-polar, at codon 637 of the PREPL protein (p.Ile637Val). This variant is present in population databases (rs151116193, gnomAD 0.01%). This variant has not been reported in the literature in individuals affected with PREPL-related conditions. ClinVar contains an entry for this variant (Variation ID: 544535). Algorithms developed to predict the effect of missense changes on protein structure and function output the following: SIFT: "Tolerated"; PolyPhen-2: "Benign"; Align-GVGD: "Class C0". The valine amino acid residue is found in multiple mammalian species, which suggests that this missense change does not adversely affect protein function. Algorithms developed to predict the effect of sequence changes on RNA splicing suggest that this variant may create or strengthen a splice site. In summary, the available evidence is currently insufficient to determine the role of this variant in disease. Therefore, it has been classified as a Variant of Uncertain Significance.

NM_001171613.2(PREPL):c.1642A>G (p.Ile548Val)

Gene: PREPL (prolyl endopeptidase like; minus strand). Cytogenetic location: 2p21.
Variant type: single nucleotide variant.
Coding change: c.1642A>G on transcript NM_001171613.2 (MANE Select); coding-DNA position 1642, A replaced by G.
Protein change: p.Ile548Val; replaces isoleucine 548 with valine.
Molecular consequence: missense variant.
Genome position (GRCh38, 1-based): chr2:44,322,842, T>C on the plus strand (A>G on the coding strand, the complement: PREPL is on the minus strand). VCF-style: chr2-44322842-T-C. GRCh37 (hg19) VCF-style: chr2-44549981-T-C.
Other names: c.1909A>G, p.Ile637Val (NM_006036.4, NM_001171603.1, NM_001171606.2 and 2 more transcripts); c.1723A>G, p.Ile575Val (NM_001042385.2); c.1711A>G, p.Ile571Val (NM_001042386.2); c.1642A>G, p.Ile548Val (NM_001171617.1, NM_001374277.1); short protein forms I637V, I571V, I575V, I548V.
Identifiers: ClinVar variation 544535 (VCV000544535.8), dbSNP rs151116193, ClinGen allele CA1641008.